The following is an entry in ClinVar:

ClinVar aggregate classification (germline): Uncertain significance (1 of 4 stars; one submission).

Conditions:
PIEZO2-related disorder. Also called: PIEZO2-related condition; PIEZO2-related disorders.

Allele frequency attached by ClinVar (database versions not stated): TOPMed 0.00001; gnomAD 0.00005; 1000 Genomes Project 30x 0.00016; 1000 Genomes Project 0.00020.
gnomAD v4.1: 81 of 1,537,318 alleles (0.0053%); highest among the groups gnomAD compares: East Asian, 0.19%; no homozygotes.

Submission:

PreventionGenetics, part of Exact Sciences
Classification: Uncertain significance for PIEZO2-related condition. Last evaluated: 2026-05-15. Review status: criteria provided, single submitter. Criteria: ACMG Guidelines, 2015. Collection method: clinical testing. Allele origin: germline.
Comment: The PIEZO2 c.2921C>T variant is predicted to result in the amino acid substitution p.Pro974Leu. To our knowledge, this variant has not been reported in the literature. This variant is reported in 0.019% of alleles in individuals of East Asian descent in gnomAD. At this time, the clinical significance of this variant is uncertain due to the absence of conclusive functional and genetic evidence.

NM_001378183.1(PIEZO2):c.2996C>T (p.Pro999Leu)

Gene: PIEZO2 (piezo type mechanosensitive ion channel component 2; minus strand). Cytogenetic location: 18p11.22.
Variant type: single nucleotide variant.
Coding change: c.2996C>T on transcript NM_001378183.1 (MANE Select); coding-DNA position 2996, C replaced by T.
Protein change: p.Pro999Leu; replaces proline 999 with leucine.
Molecular consequence: missense variant.
Genome position (GRCh38, 1-based): chr18:10,763,049, G>A on the plus strand (C>T on the coding strand, the complement: PIEZO2 is on the minus strand). VCF-style: chr18-10763049-G-A. GRCh37 (hg19) VCF-style: chr18-10763047-G-A.
Other names: c.2996C>T, p.Pro999Leu (NM_001410871.1); c.2921C>T, p.Pro974Leu (NM_022068.4); short protein forms P974L, P999L.
Identifiers: ClinVar variation 2629536 (VCV002629536.2), dbSNP rs150545165, ClinGen allele CA296032761.